The following is an entry in ClinVar:

ClinVar aggregate classification (germline): Benign/Likely benign. Review status: criteria provided, multiple submitters, no conflicts (2 of 4 stars). 5 submissions from 5 submitters: Benign (2); Likely benign (3). Last evaluated 2026-09-01.

Conditions:
Hereditary nonpolyposis colorectal neoplasms. Identifiers: MedGen C0009405, MeSH D003123.
Hereditary cancer-predisposing syndrome. Also called: Neoplastic Syndromes, Hereditary; Hereditary neoplastic syndrome; Hereditary Cancer Syndrome; Tumor predisposition. Identifiers: Orphanet 140162, MedGen C0027672, MeSH D009386, MONDO:0015356.

Submissions (5):

CeGaT Center for Human Genetics Tuebingen
Classification: Likely benign. Last evaluated: 2026-09-01. Review status: criteria provided, single submitter. Criteria: CeGaT Center For Human Genetics Tuebingen Variant Classification Criteria Version 2. Collection method: clinical testing. Allele origin: germline. Affected: yes. Observed: 19 variant alleles.
Comment: MSH6: BP4, BS1

Labcorp Genetics (formerly Invitae), Labcorp
Classification: Benign for Hereditary nonpolyposis colorectal neoplasms. Last evaluated: 2025-10-01. Review status: criteria provided, single submitter. Criteria: Invitae Variant Classification Sherloc (09022015). Collection method: clinical testing. Allele origin: germline.

Women's Health and Genetics/Laboratory Corporation of America, LabCorp
Classification: Likely benign. Last evaluated: 2024-12-20. Review status: criteria provided, single submitter. Criteria: LabCorp Variant Classification Summary - May 2015. Collection method: clinical testing. Allele origin: germline.
Comment: Variant summary: MSH6 c.3647-65_3647-61delGTTTT is located at a position not widely known to affect splicing. Consensus agreement among computation tools predict no significant impact on normal splicing. However, these predictions have yet to be confirmed by functional studies. The variant allele was found at a frequency of 4.6e-06 in 218494 control chromosomes (gnomAD). The available data on variant occurrences in the general population are insufficient to allow any conclusion about variant significance. c.3647-65_3647-61delGTTTT has been reported in the literature in at least an individual affected with endometrial cancer (example: Ozdemir_2018). This report however, does not provide unequivocal conclusions about association of the variant with Hereditary Nonpolyposis Colorectal Cancer. To our knowledge, no experimental evidence demonstrating an impact on protein function has been reported. The following publication has been ascertained in the context of this evaluation (PMID: 30238922). ClinVar contains an entry for this variant (Variation ID: 36592). Based on the evidence outlined above, the variant was classified as likely benign.

Sema4
Classification: Benign for Hereditary cancer-predisposing syndrome. Last evaluated: 2020-07-28. Review status: criteria provided, single submitter. Criteria: Sema4 Curation Guidelines. Collection method: curation. Allele origin: germline.

GeneDx
Classification: Likely benign. Last evaluated: 2019-11-09. Review status: criteria provided, single submitter. Criteria: GeneDx Variant Classification Process June 2021. Collection method: clinical testing. Allele origin: germline. Affected: yes.
Comment: This variant is associated with the following publications: (PMID: 10786688, 30238922)

Literature cited by the submitters: PubMed 30238922 (cited by Women's Health and Genetics/Laboratory Corporation of America, LabCorp).

MHS6:c.3647-65_3647-61del

Gene: MSH6 (mutS homolog 6; plus strand). Cytogenetic location: 2p16.3.
Variant type: Deletion.
Molecular consequence: intron variant (on NM_000179.3).
Genome position: GRCh38 VCF-style: chr2-47806134-TTTTTG-T. GRCh37 (hg19) VCF-style: chr2-48033273-TTTTTG-T.
Other names: c.3647-65_3647-61del (NM_000179.3); c.2741-65_2741-61del (NM_001281493.2, NM_001281494.2); c.3257-65_3257-61del (NM_001281492.2); c.3647-65_3647-61delGTTTT (NM_000179.3).
Identifiers: ClinVar variation 36592 (VCV000036592.44), dbSNP rs3136363, ClinGen allele CA013689.